The following is an entry in ClinVar:

ClinVar aggregate classification (germline): Uncertain significance (1 of 4 stars; one submission).

gnomAD v4.1: 1 of 1,252,956 alleles (0.00008%); highest among the groups gnomAD compares: Non-Finnish European, 0.0001%; no homozygotes.

Submission:

Dasa
Classification: Uncertain significance. Last evaluated: 2025-10-09. Review status: criteria provided, single submitter. Criteria: DASA Assertion Criteria. Collection method: clinical testing. Allele origin: germline.
Comment: NM_001201573.2(NUBPL):c.3+1G>A affects a canonical splice site and is predicted to disrupt normal RNA splicing. This variant is rare in population databases. Computational prediction algorithms are consistent with a benign effect. The currently available literature and clinical evidence are not sufficient to establish a definitive association between this variant and the reported condition. Therefore, this variant is classified as a variant of uncertain significance.

NM_025152.3(NUBPL):c.291+12978G>A

Gene: NUBPL (NUBP iron-sulfur cluster assembly factor, mitochondrial; plus strand). Cytogenetic location: 14q12.
Variant type: single nucleotide variant.
Coding change: c.291+12978G>A on transcript NM_025152.3 (MANE Select); 12978 bases into the intron after coding-DNA position 291, G replaced by A.
Molecular consequence: intron variant. On other transcripts: splice donor variant (1).
Genome position (GRCh38, 1-based): chr14:31,578,026, G>A. VCF-style: chr14-31578026-G-A. GRCh37 (hg19) VCF-style: chr14-32047232-G-A.
Other names: c.3+1G>A (NM_001201573.2).
Identifiers: ClinVar variation 4882980 (VCV004882980.2).